The following is an entry in ClinVar:

NM_000388.4(CASR):c.2909G>A (p.Ser970Asn)

Gene: CASR (calcium sensing receptor; plus strand). Cytogenetic location: 3q21.1.
Variant type: single nucleotide variant.
Coding change: c.2909G>A on transcript NM_000388.4 (MANE Select); coding-DNA position 2909, G replaced by A.
Protein change: p.Ser970Asn; replaces serine 970 with asparagine.
Molecular consequence: missense variant.
Genome position (GRCh38, 1-based): chr3:122,284,863, G>A. VCF-style: chr3-122284863-G-A. GRCh37 (hg19) VCF-style: chr3-122003710-G-A.
Other names: c.2939G>A, p.Ser980Asn (NM_001178065.2); short protein forms S970N, S980N.
Identifiers: ClinVar variation 2944134 (VCV002944134.3), dbSNP rs2473282578, ClinGen allele CA354161037.

ClinVar aggregate classification (germline): Uncertain significance (1 of 4 stars; one submission).

Conditions:
Autosomal dominant hypocalcemia 1 (HYPOC1). Also called: HYPOCALCEMIA, FAMILIAL. Identifiers: MedGen C3715128, MONDO:0011013, OMIM 601198.
Familial hypocalciuric hypercalcemia (FHH). Also called: Familial benign hypercalcemia. Identifiers: Orphanet 405, MedGen C1809471, MONDO:0018458.

Submission:

Labcorp Genetics (formerly Invitae), Labcorp
Classification: Uncertain significance for Familial hypocalciuric hypercalcemia; Autosomal dominant hypocalcemia 1. Last evaluated: 2023-02-10. Review status: criteria provided, single submitter. Criteria: Invitae Variant Classification Sherloc (09022015). Collection method: clinical testing. Allele origin: germline.
Comment: This sequence change replaces serine, which is neutral and polar, with asparagine, which is neutral and polar, at codon 970 of the CASR protein (p.Ser970Asn). This variant is not present in population databases (gnomAD no frequency). This variant has not been reported in the literature in individuals affected with CASR-related conditions. Algorithms developed to predict the effect of missense changes on protein structure and function are either unavailable or do not agree on the potential impact of this missense change (SIFT: "Deleterious"; PolyPhen-2: "Benign"; Align-GVGD: "Class C45"). In summary, the available evidence is currently insufficient to determine the role of this variant in disease. Therefore, it has been classified as a Variant of Uncertain Significance.